The following is an entry in ClinVar:

ClinVar aggregate classification (germline): Likely benign. Review status: criteria provided, multiple submitters, no conflicts (2 of 4 stars). 4 submissions from 4 submitters: Likely benign (3). 1 of the submissions does not count toward it. Last evaluated 2025-12-23.

Conditions:
Mucolipidosis type IV (ML4). Also called: ML IV. Identifiers: Orphanet 578, MedGen C0238286, MONDO:0009653, OMIM 252650.
Inborn genetic diseases. Identifiers: MedGen C0950123, MeSH D030342.

Allele frequency attached by ClinVar (database versions not stated): gnomAD 0.00004 and 0.00007; gnomAD exomes 0.00004 and 0.00009; ESP Exome Variant Server 0.00008; TOPMed 0.00008; ExAC 0.00011; 1000 Genomes Project 30x 0.00016; 1000 Genomes Project 0.00020.
gnomAD v4.1: 68 of 1,614,112 alleles (0.0042%); highest among the groups gnomAD compares: South Asian, 0.035%; 1 homozygote.

Submissions (4):

Labcorp Genetics (formerly Invitae), Labcorp
Classification: Likely benign for Mucolipidosis type IV. Last evaluated: 2025-12-23. Review status: criteria provided, single submitter. Criteria: Invitae Variant Classification Sherloc (09022015). Collection method: clinical testing. Allele origin: germline.

Ambry Genetics
Classification: Likely benign for Inborn genetic diseases. Last evaluated: 2025-08-12. Review status: criteria provided, single submitter. Criteria: Ambry Variant Classification Scheme 2023. Collection method: clinical testing. Allele origin: germline.

CeGaT Center for Human Genetics Tuebingen
Classification: Likely benign. Last evaluated: 2022-11-01. Review status: criteria provided, single submitter. Criteria: CeGaT Center For Human Genetics Tuebingen Variant Classification Criteria Version 2. Collection method: clinical testing. Allele origin: germline. Affected: yes. Observed: 1 variant allele.
Comment: MCOLN1: BP4, BP7

Natera, Inc.
Classification: Likely benign for Mucolipidosis type IV. Last evaluated: 2020-12-01. Review status: no assertion criteria provided. Collection method: clinical testing. Allele origin: germline. Not counted in ClinVar's aggregate classification.

NM_020533.3(MCOLN1):c.531G>A (p.Pro177=)

Gene: MCOLN1 (mucolipin TRP cation channel 1; plus strand). Cytogenetic location: 19p13.2.
Variant type: single nucleotide variant.
Coding change: c.531G>A on transcript NM_020533.3 (MANE Select); coding-DNA position 531, G replaced by A.
Protein change: p.Pro177=; no amino-acid change (proline 177 retained).
Molecular consequence: synonymous variant.
Genome position (GRCh38, 1-based): chr19:7,526,886, G>A. VCF-style: chr19-7526886-G-A. GRCh37 (hg19) VCF-style: chr19-7591772-G-A.
Identifiers: ClinVar variation 784572 (VCV000784572.39), dbSNP rs201211905, ClinGen allele CA9138754.